The following is an entry in ClinVar:

ClinVar aggregate classification (germline): Likely pathogenic (0 of 4 stars; one submission).

Conditions:
Gray platelet syndrome (GPS). Also called: BLEEDING DISORDER, PLATELET-TYPE, 4. Identifiers: Orphanet 721, MedGen C0272302, MONDO:0007686, OMIM 139090.

Submission:

ISTH-SSC Genomics in Thrombosis and Hemostasis, KU Leuven, Center for Molecular and Vascular Biology
Classification: Likely pathogenic for Gray platelet syndrome. Review status: no assertion criteria provided. Collection method: research. Allele origin: unknown. Affected: yes.
Comment: Submitted to GoldVariant by Dr Marie-Christine Morel-Kopp from Northern Blood Research Centre, Sydney, Australia

NM_015175.3(NBEAL2):c.5431_5438del (p.Ala1811fs)

Gene: NBEAL2 (neurobeachin like 2; plus strand). Cytogenetic location: 3p21.31.
Variant type: Deletion.
Coding change: c.5431_5438del on transcript NM_015175.3 (MANE Select); coding-DNA positions 5431 to 5438, 8 bases deleted (GCCAGCCC; older notation c.5431_5438delGCCAGCCC).
Protein change: p.Ala1811fs; shifts the reading frame from alanine 1811.
Molecular consequence: frameshift variant.
Genome position (GRCh38, 1-based): chr3:47,002,774-47,002,781, GCCAGCCC deleted; deleting any 8 consecutive bases within chr3:47,002,773-47,002,781 gives the same sequence; the c. name uses the placement nearest the transcript's 3' end. VCF-style (leftmost placement, unchanged base first): chr3-47002772-TCGCCAGCC-T. GRCh37 (hg19) VCF-style: chr3-47044262-TCGCCAGCC-T.
Other names: c.5329_5336del, p.Ala1777fs (NM_001365116.2); short protein forms A1777fs, A1811fs.
Identifiers: ClinVar variation 1684446 (VCV001684446.1), dbSNP rs2107413869, ClinGen allele CA2573136993.